The following is an entry in ClinVar:

NM_000388.4(CASR):c.1827G>A (p.Thr609=)

Gene: CASR (calcium sensing receptor; plus strand). Cytogenetic location: 3q21.1.
Variant type: single nucleotide variant.
Coding change: c.1827G>A on transcript NM_000388.4 (MANE Select); coding-DNA position 1827, G replaced by A.
Protein change: p.Thr609=; no amino-acid change (threonine 609 retained).
Molecular consequence: synonymous variant.
Genome position (GRCh38, 1-based): chr3:122,283,781, G>A. VCF-style: chr3-122283781-G-A. GRCh37 (hg19) VCF-style: chr3-122002628-G-A.
Other names: c.1857G>A, p.Thr619= (NM_001178065.2); c.1857G>A (NM_001178065.1).
Identifiers: ClinVar variation 463913 (VCV000463913.16), dbSNP rs200868156, ClinGen allele CA2569750.

ClinVar aggregate classification (germline): Likely benign. Review status: criteria provided, multiple submitters, no conflicts (2 of 4 stars). 3 submissions from 3 submitters: Likely benign (2). 1 of the submissions does not count toward it. Last evaluated 2025-12-05.

Conditions:
Familial hypocalciuric hypercalcemia (FHH). Also called: Familial benign hypercalcemia. Identifiers: Orphanet 405, MedGen C1809471, MONDO:0018458.
Autosomal dominant hypocalcemia 1 (HYPOC1). Also called: HYPOCALCEMIA, FAMILIAL. Identifiers: MedGen C3715128, MONDO:0011013, OMIM 601198.
CASR-related disorder. Also called: CASR-related condition.
Nephrolithiasis/nephrocalcinosis. Identifiers: MedGen CN580796.

Allele frequency attached by ClinVar (database versions not stated): gnomAD 0.00004; ESP Exome Variant Server 0.00008; TOPMed 0.00010; ExAC 0.00012; gnomAD exomes 0.00012; 1000 Genomes Project 30x 0.00016; 1000 Genomes Project 0.00020.
gnomAD v4.1: 78 of 1,614,058 alleles (0.0048%); highest among the groups gnomAD compares: Admixed American, 0.023%; no homozygotes.

Submissions (3):

Labcorp Genetics (formerly Invitae), Labcorp
Classification: Likely benign for Familial hypocalciuric hypercalcemia; Autosomal dominant hypocalcemia 1. Last evaluated: 2025-12-05. Review status: criteria provided, single submitter. Criteria: Invitae Variant Classification Sherloc (09022015). Collection method: clinical testing. Allele origin: germline.

Ambry Genetics
Classification: Likely benign for Nephrolithiasis/nephrocalcinosis. Last evaluated: 2019-10-31. Review status: criteria provided, single submitter. Criteria: Ambry Variant Classification Scheme 2023. Collection method: clinical testing. Allele origin: germline.

PreventionGenetics, part of Exact Sciences
Classification: Likely benign for CASR-related condition. Last evaluated: 2021-04-08. Review status: no assertion criteria provided. Collection method: clinical testing. Allele origin: germline. Not counted in ClinVar's aggregate classification.
Comment: This variant is classified as likely benign based on ACMG/AMP sequence variant interpretation guidelines (Richards et al. 2015 PMID: 25741868, with internal and published modifications).